The following is an entry in ClinVar:

ClinVar aggregate classification (germline): Uncertain significance. Review status: criteria provided, multiple submitters, no conflicts (2 of 4 stars). 2 submissions from 2 submitters: Uncertain significance (2). Last evaluated 2022-04-30.

Conditions:
Tatton-Brown-Rahman overgrowth syndrome. Also called: Tall stature-intellectual disability-facial dysmorphism syndrome; Tatton-Brown-Rahman syndrome. Identifiers: Orphanet 404443, MedGen C4014545, MONDO:0014382, OMIM 615879.

Allele frequency attached by ClinVar (database versions not stated): gnomAD exomes below 0.00001.
gnomAD v4.1: 1 of 1,594,652 alleles (0.000063%); highest among the groups gnomAD compares: Non-Finnish European, 0.000085%; no homozygotes.

Submissions (2):

Labcorp Genetics (formerly Invitae), Labcorp
Classification: Uncertain significance for Tatton-Brown-Rahman overgrowth syndrome. Last evaluated: 2022-04-30. Review status: criteria provided, single submitter. Criteria: Invitae Variant Classification Sherloc (09022015). Collection method: clinical testing. Allele origin: germline.
Comment: In summary, the available evidence is currently insufficient to determine the role of this variant in disease. Therefore, it has been classified as a Variant of Uncertain Significance. Algorithms developed to predict the effect of missense changes on protein structure and function are either unavailable or do not agree on the potential impact of this missense change (SIFT: "Deleterious"; PolyPhen-2: "Benign"; Align-GVGD: "Class C0"). ClinVar contains an entry for this variant (Variation ID: 1029293). This variant has not been reported in the literature in individuals affected with DNMT3A-related conditions. This variant is not present in population databases (gnomAD no frequency). This sequence change replaces serine, which is neutral and polar, with phenylalanine, which is neutral and non-polar, at codon 77 of the DNMT3A protein (p.Ser77Phe).

Baylor Genetics
Classification: Uncertain significance for Tatton-Brown-Rahman overgrowth syndrome. Last evaluated: 2019-06-19. Review status: criteria provided, single submitter. Criteria: ACMG Guidelines, 2015. Collection method: clinical testing. Allele origin: unknown. Affected: yes.
Comment: This variant was determined to be of uncertain significance according to ACMG Guidelines, 2015 [PMID:25741868].

NM_022552.5(DNMT3A):c.230C>T (p.Ser77Phe)

Gene: DNMT3A (DNA methyltransferase 3 alpha; minus strand). Cytogenetic location: 2p23.3.
Variant type: single nucleotide variant.
Coding change: c.230C>T on transcript NM_022552.5 (MANE Select); coding-DNA position 230, C replaced by T.
Protein change: p.Ser77Phe; replaces serine 77 with phenylalanine.
Molecular consequence: missense variant. On other transcripts: non-coding transcript variant (1).
Genome position (GRCh38, 1-based): chr2:25,282,659, G>A on the plus strand (C>T on the coding strand, the complement: DNMT3A is on the minus strand). VCF-style: chr2-25282659-G-A. GRCh37 (hg19) VCF-style: chr2-25505528-G-A.
Other names: c.230C>T, p.Ser77Phe (NM_001320892.2, NM_175629.2, NM_175630.1); short protein forms S77F.
Identifiers: ClinVar variation 1029293 (VCV001029293.6), dbSNP rs2031973986, ClinGen allele CA346084102.